The following is an entry in ClinVar:

NM_019066.5(MAGEL2):c.1528C>T (p.Gln510Ter)

Gene: MAGEL2 (MAGE family member L2; minus strand). Cytogenetic location: 15q11.2.
Variant type: single nucleotide variant.
Coding change: c.1528C>T on transcript NM_019066.5 (MANE Select); coding-DNA position 1528, C replaced by T.
Protein change: p.Gln510Ter; replaces glutamine 510 with a stop codon.
Molecular consequence: nonsense.
Genome position (GRCh38, 1-based): chr15:23,646,215, G>A on the plus strand (C>T on the coding strand, the complement: MAGEL2 is on the minus strand). VCF-style: chr15-23646215-G-A. GRCh37 (hg19) VCF-style: chr15-23891362-G-A.
Other names: short protein forms Q510*.
Identifiers: ClinVar variation 4765891 (VCV004765891.1).

ClinVar aggregate classification (germline): Uncertain significance (1 of 4 stars; one submission).

Submission:

Labcorp Genetics (formerly Invitae), Labcorp
Classification: Uncertain significance. Last evaluated: 2025-09-05. Review status: criteria provided, single submitter. Criteria: Invitae Variant Classification Sherloc (09022015). Collection method: clinical testing. Allele origin: germline.
Comment: This sequence change creates a premature translational stop signal (p.Gln510*) in the MAGEL2 gene. While this is not anticipated to result in nonsense mediated decay, it is expected to disrupt the last 740 amino acid(s) of the MAGEL2 protein. This variant is not present in population databases (gnomAD no frequency). This variant has not been reported in the literature in individuals affected with MAGEL2-related conditions. In summary, the available evidence is currently insufficient to determine the role of this variant in disease. Therefore, it has been classified as a Variant of Uncertain Significance.